The following is an entry in ClinVar:

NM_001386298.1(CIC):c.3923G>A (p.Gly1308Glu)

Gene: CIC (capicua transcriptional repressor; plus strand). Cytogenetic location: 19q13.2.
Variant type: single nucleotide variant.
Coding change: c.3923G>A on transcript NM_001386298.1 (MANE Select); coding-DNA position 3923, G replaced by A.
Protein change: p.Gly1308Glu; replaces glycine 1308 with glutamic acid.
Molecular consequence: missense variant.
Genome position (GRCh38, 1-based): chr19:42,289,242, G>A. VCF-style: chr19-42289242-G-A. GRCh37 (hg19) VCF-style: chr19-42793394-G-A.
Other names: c.3923G>A, p.Gly1308Glu (NM_001304815.2, NM_001379480.1, NM_001379482.1 and 6 more transcripts); c.1196G>A, p.Gly399Glu (NM_001379484.1, NM_001379485.1, NM_001439189.1 and 3 more transcripts); short protein forms G1308E, G399E.
Identifiers: ClinVar variation 4615701 (VCV004615701.1).

ClinVar aggregate classification (germline): Uncertain significance (1 of 4 stars; one submission).

Conditions:
Inborn genetic diseases. Identifiers: MedGen C0950123, MeSH D030342.

gnomAD v4.1: 2 of 1,613,644 alleles (0.00012%); highest among the groups gnomAD compares: Non-Finnish European, 0.00017%; no homozygotes.

Submission:

Ambry Genetics
Classification: Uncertain significance for Inborn genetic diseases. Last evaluated: 2025-10-21. Review status: criteria provided, single submitter. Criteria: Ambry Variant Classification Scheme 2023. Collection method: clinical testing. Allele origin: germline.
Comment: The c.1196G>A (p.G399E) alteration is located in exon 8 (coding exon 8) of the CIC gene. This alteration results from a G to A substitution at nucleotide position 1196, causing the glycine (G) at amino acid position 399 to be replaced by a glutamic acid (E). Based on data from gnomAD, the A allele has an overall frequency of <0.001% (1/250030) total alleles studied. The highest observed frequency was 0.001% (1/113208) of European (non-Finnish) alleles. Based on insufficient or conflicting evidence, the clinical significance of this alteration remains unclear.